The following is an entry in ClinVar:

ClinVar aggregate classification (germline): Uncertain significance. Review status: criteria provided, multiple submitters, no conflicts (2 of 4 stars). 2 submissions from 2 submitters: Uncertain significance (2). Last evaluated 2024-01-18.

Conditions:
Joubert syndrome 15 (JBTS15). Identifiers: Orphanet 475, MedGen C3280897, MONDO:0013763, OMIM 614464.

Allele frequency attached by ClinVar (database versions not stated): gnomAD exomes below 0.00001; TOPMed 0.00002.
gnomAD v4.1: 2 of 1,612,020 alleles (0.00012%); highest among the groups gnomAD compares: Admixed American, 0.0017%; no homozygotes.

Submissions (2):

Labcorp Genetics (formerly Invitae), Labcorp
Classification: Uncertain significance for Joubert syndrome 15. Last evaluated: 2024-01-18. Review status: criteria provided, single submitter. Criteria: Invitae Variant Classification Sherloc (09022015). Collection method: clinical testing. Allele origin: germline.
Comment: This sequence change falls in intron 1 of the CEP41 gene. It does not directly change the encoded amino acid sequence of the CEP41 protein. It affects a nucleotide within the consensus splice site. This variant is not present in population databases (gnomAD no frequency). This variant has not been reported in the literature in individuals affected with CEP41-related conditions. ClinVar contains an entry for this variant (Variation ID: 1415431). Variants that disrupt the consensus splice site are a relatively common cause of aberrant splicing (PMID: 17576681, 9536098). Algorithms developed to predict the effect of sequence changes on RNA splicing suggest that this variant is not likely to affect RNA splicing. In summary, the available evidence is currently insufficient to determine the role of this variant in disease. Therefore, it has been classified as a Variant of Uncertain Significance.

Department of Pathology and Laboratory Medicine, Sinai Health System
Classification: Uncertain significance for Joubert syndrome 15. Last evaluated: 2022-12-05. Review status: criteria provided, single submitter. Criteria: ACMG Guidelines, 2015. Collection method: research. Allele origin: germline.

Literature cited by the submitters: PubMed 17576681 (cited by Labcorp Genetics (formerly Invitae), Labcorp); PubMed 9536098 (cited by Labcorp Genetics (formerly Invitae), Labcorp).

NM_018718.3(CEP41):c.33+6G>A

Gene: CEP41 (centrosomal protein 41; minus strand). Cytogenetic location: 7q32.2.
Variant type: single nucleotide variant.
Coding change: c.33+6G>A on transcript NM_018718.3 (MANE Select); 6 bases into the intron after coding-DNA position 33, G replaced by A.
Molecular consequence: intron variant.
Genome position (GRCh38, 1-based): chr7:130,440,928, C>T on the plus strand (G>A on the coding strand, the complement: CEP41 is on the minus strand). VCF-style: chr7-130440928-C-T. GRCh37 (hg19) VCF-style: chr7-130080769-C-T.
Other names: c.33+6G>A (NM_001257159.2, NM_001257158.2, NM_001257160.2).
Identifiers: ClinVar variation 1415431 (VCV001415431.5), dbSNP rs1798137622, ClinGen allele CA1743239306.
Genomic context (GRCh38, chr7:130,440,928, plus strand): 5'-TGCCCACATGAGCCTTTTCCGGTGCGCCCGCCCCCTCCGGCTCTCCGGCCGAGACCTGGC[C>T]CTCACCTCAGGGTTCCCAATGTGCCTCCGGAGGGACATATTTTCTCCAACCGACCACGTT-3'